The following is an entry in ClinVar:

NM_020632.3(ATP6V0A4):c.2329G>A (p.Gly777Arg)

Gene: ATP6V0A4 (ATPase H+ transporting V0 subunit a4; minus strand). Cytogenetic location: 7q34.
Variant type: single nucleotide variant.
Coding change: c.2329G>A on transcript NM_020632.3 (MANE Select); coding-DNA position 2329, G replaced by A.
Protein change: p.Gly777Arg; replaces glycine 777 with arginine.
Molecular consequence: missense variant.
Genome position (GRCh38, 1-based): chr7:138,709,724, C>T on the plus strand (G>A on the coding strand, the complement: ATP6V0A4 is on the minus strand). VCF-style: chr7-138709724-C-T. GRCh37 (hg19) VCF-style: chr7-138394469-C-T.
Other names: c.2329G>A, p.Gly777Arg (NM_130840.3, NM_130841.3); short protein forms G777R.
Identifiers: ClinVar variation 1363899 (VCV001363899.7), dbSNP rs767611310, ClinGen allele CA4504448.
Genomic context (GRCh38, chr7:138,709,724, plus strand): 5'-CCATGATCAGAAGGATGGCTACTGTCAGGACAGCAAATACGGCAAAAATAATAAAAACCC[C>T]GACGATTCCTCCCCAGCCTCGCGTCTGAAGGCCGCTGTTCATCACCATAGTCCAGAGCAC-3'
Protein context (NP_065683.2, residues 767-787): LQTRGWGGIV[Gly777Arg]VFIIFAVFAV

ClinVar aggregate classification (germline): Uncertain significance. Review status: criteria provided, multiple submitters, no conflicts (2 of 4 stars). 2 submissions from 2 submitters: Uncertain significance (2). Last evaluated 2022-03-29.

Conditions:
Renal tubular acidosis, distal, 3, with or without sensorineural hearing loss (DRTA3). Identifiers: MedGen C5399980, MONDO:0011268, OMIM 602722.

Allele frequency attached by ClinVar (database versions not stated): TOPMed below 0.00001; gnomAD 0.00001; gnomAD exomes 0.00001 and 0.00002; ExAC 0.00002.
gnomAD v4.1: 11 of 1,613,824 alleles (0.00068%); highest among the groups gnomAD compares: East Asian, 0.0022%; no homozygotes.

Submissions (2):

Fulgent Genetics
Classification: Uncertain significance for Renal tubular acidosis, distal, 3, with or without sensorineural hearing loss. Last evaluated: 2022-03-29. Review status: criteria provided, single submitter. Criteria: ACMG Guidelines, 2015. Collection method: clinical testing. Allele origin: unknown.

Labcorp Genetics (formerly Invitae), Labcorp
Classification: Uncertain significance. Last evaluated: 2021-06-24. Review status: criteria provided, single submitter. Criteria: Invitae Variant Classification Sherloc (09022015). Collection method: clinical testing. Allele origin: germline.
Comment: This sequence change replaces glycine with arginine at codon 777 of the ATP6V0A4 protein (p.Gly777Arg). The glycine residue is moderately conserved and there is a moderate physicochemical difference between glycine and arginine. This variant is present in population databases (rs767611310, ExAC 0.01%). This variant has not been reported in the literature in individuals with ATP6V0A4-related conditions. Algorithms developed to predict the effect of missense changes on protein structure and function are either unavailable or do not agree on the potential impact of this missense change (SIFT: "Tolerated"; PolyPhen-2: "Possibly Damaging"; Align-GVGD: "Class C0"). In summary, the available evidence is currently insufficient to determine the role of this variant in disease. Therefore, it has been classified as a Variant of Uncertain Significance.